The following is an entry in ClinVar:

NM_000535.7(PMS2):c.706-10_706-4del

Gene: PMS2 (PMS1 homolog 2, mismatch repair system component; minus strand). Cytogenetic location: 7p22.1.
Variant type: Deletion.
Coding change: c.706-10_706-4del on transcript NM_000535.7 (MANE Select); 10 bases into the intron before coding-DNA position 706 through 4 bases into the intron before coding-DNA position 706, 7 bases deleted (TTTTTTT; older notation c.706-10_706-4delTTTTTTT).
Molecular consequence: intron variant.
Genome position (GRCh38, 1-based): chr7:5,997,427-5,997,433, AAAAAAA deleted on the plus strand (TTTTTTT on the coding strand, the reverse complement: PMS2 is on the minus strand); deleting any 7 consecutive bases within chr7:5,997,427-5,997,443 gives the same sequence; the c. name uses the placement nearest the transcript's 3' end. VCF-style (leftmost placement, unchanged base first): chr7-5997426-GAAAAAAA-G. GRCh37 (hg19) VCF-style: chr7-6037057-GAAAAAAA-G.
Other names: c.388-10_388-4del (NM_001322008.2, NM_001322007.2); c.301-10_301-4del (NM_001322010.2, NM_001322004.2, NM_001322003.2 and 2 more transcripts); c.133-10_133-4del (NM_001322013.2); c.-228-10_-228-4del (NM_001322012.2, NM_001322011.2); c.397-10_397-4del (NM_001322015.2); c.706-10_706-4del (NM_001322006.2, NM_001322014.2).
Identifiers: ClinVar variation 1756956 (VCV001756956.3), dbSNP rs60794673, ClinGen allele CA2580076877.

ClinVar aggregate classification (germline): Uncertain significance (1 of 4 stars; one submission).

Conditions:
Hereditary cancer-predisposing syndrome. Also called: Tumor predisposition; Hereditary Cancer Syndrome; Hereditary neoplastic syndrome; Neoplastic Syndromes, Hereditary. Identifiers: Orphanet 140162, MedGen C0027672, MeSH D009386, MONDO:0015356.

Submission:

Ambry Genetics
Classification: Uncertain significance for Hereditary cancer-predisposing syndrome. Last evaluated: 2026-02-16. Review status: criteria provided, single submitter. Criteria: Ambry Variant Classification Scheme 2023. Collection method: clinical testing. Allele origin: germline.
Comment: The c.706-10_706-4delTTTTTTT intronic variant, located in intron 6 of the PMS2 gene, results from a deletion of 7 nucleotides within intron 6 of the PMS2 gene. This nucleotide region is not well conserved in available vertebrate species and conservation data is also partially limited. In silico splice site analysis for this alteration is inconclusive. Based on the available evidence, the clinical significance of this variant remains unclear.